The following is an entry in ClinVar:

NM_032603.5(LOXL3):c.1156T>G (p.Cys386Gly)

Gene: LOXL3 (lysyl oxidase like 3; minus strand). Cytogenetic location: 2p13.1.
Variant type: single nucleotide variant.
Coding change: c.1156T>G on transcript NM_032603.5 (MANE Select); coding-DNA position 1156, T replaced by G.
Protein change: p.Cys386Gly; replaces cysteine 386 with glycine.
Molecular consequence: missense variant.
Genome position (GRCh38, 1-based): chr2:74,536,088, A>C on the plus strand (T>G on the coding strand, the complement: LOXL3 is on the minus strand). VCF-style: chr2-74536088-A-C. GRCh37 (hg19) VCF-style: chr2-74763215-A-C.
Other names: c.721T>G, p.Cys241Gly (NM_001289164.3); c.73T>G, p.Cys25Gly (NM_001289165.2); short protein forms C241G, C25G, C386G.
Identifiers: ClinVar variation 1717820 (VCV001717820.5), dbSNP rs2529944920, ClinGen allele CA347388678.
Genomic context (GRCh38, chr2:74,536,088, plus strand): 5'-ACCGGACCCCGGCATCCTGGCTATGTGAACAATCCTCAGCTGTGATGTTCTTGTGGGGGC[A>C]CTTCCAGAGGGAGAGCTCCTGTCCAGAGCAGCGAACTTCACTCAGGTGGATAGCACCCAT-3'
Protein context (NP_115992.1, residues 376-396): CSGQELSLWK[Cys386Gly]PHKNITAEDC

ClinVar aggregate classification (germline): Uncertain significance (1 of 4 stars; one submission).

Submission:

Labcorp Genetics (formerly Invitae), Labcorp
Classification: Uncertain significance. Last evaluated: 2022-08-23. Review status: criteria provided, single submitter. Criteria: Invitae Variant Classification Sherloc (09022015). Collection method: clinical testing. Allele origin: germline.
Comment: In summary, the available evidence is currently insufficient to determine the role of this variant in disease. Therefore, it has been classified as a Variant of Uncertain Significance. Algorithms developed to predict the effect of missense changes on protein structure and function (SIFT, PolyPhen-2, Align-GVGD) all suggest that this variant is likely to be disruptive. This variant has not been reported in the literature in individuals affected with LOXL3-related conditions. This variant is not present in population databases (gnomAD no frequency). This sequence change replaces cysteine, which is neutral and slightly polar, with glycine, which is neutral and non-polar, at codon 386 of the LOXL3 protein (p.Cys386Gly).